The following is an entry in ClinVar:

ClinVar aggregate classification (germline): Benign/Likely benign. Review status: criteria provided, multiple submitters, no conflicts (2 of 4 stars). 5 submissions from 5 submitters: Benign (3); Likely benign (2). Last evaluated 2026-05-01.

Conditions:
Leukodystrophy, hypomyelinating, 10. Also called: PYCR2-related microcephaly-progressive leukoencephalopathy. Identifiers: Orphanet 481152, MedGen C4225332, MONDO:0014632, OMIM 616420.

Allele frequency attached by ClinVar (database versions not stated): ESP Exome Variant Server 0.00008; gnomAD 0.00075 and 0.00092; TOPMed 0.00135; ExAC 0.00218; gnomAD exomes 0.00231; 1000 Genomes Project 30x 0.00359; 1000 Genomes Project 0.00379.

Submissions (5):

CeGaT Center for Human Genetics Tuebingen
Classification: Likely benign. Last evaluated: 2026-05-01. Review status: criteria provided, single submitter. Criteria: CeGaT Center For Human Genetics Tuebingen Variant Classification Criteria Version 2. Collection method: clinical testing. Allele origin: germline. Affected: yes. Observed: 8 variant alleles.
Comment: PYCR2: BP4, BP7

Labcorp Genetics (formerly Invitae), Labcorp
Classification: Benign. Last evaluated: 2026-02-01. Review status: criteria provided, single submitter. Criteria: Invitae Variant Classification Sherloc (09022015). Collection method: clinical testing. Allele origin: germline.

Fulgent Genetics
Classification: Likely benign for Leukodystrophy, hypomyelinating, 10. Last evaluated: 2021-09-29. Review status: criteria provided, single submitter. Criteria: ACMG Guidelines, 2015. Collection method: clinical testing. Allele origin: unknown.

Genetic Services Laboratory, University of Chicago
Classification: Benign. Last evaluated: 2018-09-06. Review status: criteria provided, single submitter. Criteria: ACMG Guidelines, 2015. Collection method: clinical testing. Allele origin: germline. Affected: no.

Breakthrough Genomics
Classification: Benign. Review status: criteria provided, single submitter. Criteria: ACMG Guidelines, 2015. Collection method: not provided. Allele origin: germline. Inheritance: Autosomal recessive inheritance. Affected: yes.

NM_013328.4(PYCR2):c.924C>G (p.Leu308=)

Gene: PYCR2 (pyrroline-5-carboxylate reductase 2; minus strand). Cytogenetic location: 1q42.12.
Variant type: single nucleotide variant.
Coding change: c.924C>G on transcript NM_013328.4 (MANE Select); coding-DNA position 924, C replaced by G.
Protein change: p.Leu308=; no amino-acid change (leucine 308 retained).
Molecular consequence: synonymous variant.
Genome position (GRCh38, 1-based): chr1:225,920,494, G>C on the plus strand (C>G on the coding strand, the complement: PYCR2 is on the minus strand). VCF-style: chr1-225920494-G-C. GRCh37 (hg19) VCF-style: chr1-226108194-G-C.
Other names: c.702C>G, p.Leu234= (NM_001271681.2).
Identifiers: ClinVar variation 770123 (VCV000770123.39), dbSNP rs181648767, ClinGen allele CA1420056.